The following is an entry in ClinVar:

ClinVar aggregate classification (germline): Uncertain significance (1 of 4 stars; one submission).

Conditions:
Inborn genetic diseases. Identifiers: MedGen C0950123, MeSH D030342.

gnomAD v4.1: 18 of 1,608,676 alleles (0.0011%); highest among the groups gnomAD compares: Non-Finnish European, 0.0015%; no homozygotes.

Submission:

Ambry Genetics
Classification: Uncertain significance for Inborn genetic diseases. Last evaluated: 2024-11-23. Review status: criteria provided, single submitter. Criteria: Ambry Variant Classification Scheme 2023. Collection method: clinical testing. Allele origin: germline.
Comment: The p.S665T variant (also known as c.1994G>C), located in coding exon 13 of the ASXL1 gene, results from a G to C substitution at nucleotide position 1994. The serine at codon 665 is replaced by threonine, an amino acid with similar properties. This amino acid position is conserved. In addition, this alteration is predicted to be tolerated by in silico analysis. Based on the available evidence, the clinical significance of this variant remains unclear.

NM_015338.6(ASXL1):c.1994G>C (p.Ser665Thr)

Gene: ASXL1 (ASXL transcriptional regulator 1; plus strand). Cytogenetic location: 20q11.21.
Variant type: single nucleotide variant.
Coding change: c.1994G>C on transcript NM_015338.6 (MANE Select); coding-DNA position 1994, G replaced by C.
Protein change: p.Ser665Thr; replaces serine 665 with threonine.
Molecular consequence: missense variant.
Genome position (GRCh38, 1-based): chr20:32,434,706, G>C. VCF-style: chr20-32434706-G-C. GRCh37 (hg19) VCF-style: chr20-31022509-G-C.
Other names: c.1811G>C, p.Ser604Thr (NM_001363734.1); short protein forms S665T, S604T.
Identifiers: ClinVar variation 3438716 (VCV003438716.1).